The following is an entry in ClinVar:

NM_001384140.1(PCDH15):c.75G>C (p.Leu25Phe)

Gene: PCDH15 (protocadherin related 15; minus strand). Cytogenetic location: 10q21.1.
Variant type: single nucleotide variant.
Coding change: c.75G>C on transcript NM_001384140.1 (MANE Select); coding-DNA position 75, G replaced by C.
Protein change: p.Leu25Phe; replaces leucine 25 with phenylalanine.
Molecular consequence: missense variant.
Genome position (GRCh38, 1-based): chr10:54,664,188, C>G on the plus strand (G>C on the coding strand, the complement: PCDH15 is on the minus strand). VCF-style: chr10-54664188-C-G. GRCh37 (hg19) VCF-style: chr10-56423948-C-G.
Other names: c.75G>C, p.Leu25Phe (NM_001142763.2, NM_001142764.2, NM_001142765.2 and 14 more transcripts); short protein forms L25F.
Identifiers: ClinVar variation 2192650 (VCV002192650.2), dbSNP rs772829621, ClinGen allele CA5506899.
Genomic context (GRCh38, chr10:54,664,188, plus strand): 5'-AAAATCCTGGCTCGCTCTAAAGGTCAAGCTAAAAGCAACCTTACCATCATCATACTGGCC[C>G]AAGCAGATTTCAAAGAGAGAGCCCAGGATGATCCCTGAAGCTAAACATGTCCAGAGATAA-3'
Protein context (NP_001371069.1, residues 15-35): IILGSLFEIC[Leu25Phe]GQYDDDCKLA

ClinVar aggregate classification (germline): Uncertain significance (1 of 4 stars; one submission).

Allele frequency attached by ClinVar (database versions not stated): TOPMed below 0.00001; ExAC 0.00001; gnomAD exomes 0.00001.
gnomAD v4.1: 9 of 1,612,034 alleles (0.00056%); highest among the groups gnomAD compares: East Asian, 0.02%; no homozygotes.

Submission:

Labcorp Genetics (formerly Invitae), Labcorp
Classification: Uncertain significance. Last evaluated: 2025-08-11. Review status: criteria provided, single submitter. Criteria: Invitae Variant Classification Sherloc (09022015). Collection method: clinical testing. Allele origin: germline.
Comment: This sequence change replaces leucine, which is neutral and non-polar, with phenylalanine, which is neutral and non-polar, at codon 25 of the PCDH15 protein (p.Leu25Phe). This variant is present in population databases (rs772829621, gnomAD 0.01%). This variant has not been reported in the literature in individuals affected with PCDH15-related conditions. ClinVar contains an entry for this variant (Variation ID: 2192650). Invitae Evidence Modeling of protein sequence and biophysical properties (such as structural, functional, and spatial information, amino acid conservation, physicochemical variation, residue mobility, and thermodynamic stability) indicates that this missense variant is not expected to disrupt PCDH15 protein function with a negative predictive value of 95%. In summary, the available evidence is currently insufficient to determine the role of this variant in disease. Therefore, it has been classified as a Variant of Uncertain Significance.